The following is an entry in ClinVar:

ClinVar aggregate classification (germline): Uncertain significance. Review status: criteria provided, multiple submitters, no conflicts (2 of 4 stars). 2 submissions from 2 submitters: Uncertain significance (2). Last evaluated 2025-11-24.

Allele frequency attached by ClinVar (database versions not stated): gnomAD exomes below 0.00001; TOPMed below 0.00001.
gnomAD v4.1: 6 of 1,610,154 alleles (0.00037%); highest among the groups gnomAD compares: Non-Finnish European, 0.00051%; no homozygotes.

Submissions (2):

Labcorp Genetics (formerly Invitae), Labcorp
Classification: Uncertain significance. Last evaluated: 2025-11-24. Review status: criteria provided, single submitter. Criteria: Invitae Variant Classification Sherloc (09022015). Collection method: clinical testing. Allele origin: germline.
Comment: This sequence change replaces lysine, which is basic and polar, with asparagine, which is neutral and polar, at codon 23 of the KCNJ13 protein (p.Lys23Asn). This variant is not present in population databases (gnomAD no frequency). This variant has not been reported in the literature in individuals affected with KCNJ13-related conditions. ClinVar contains an entry for this variant (Variation ID: 966568). Invitae Evidence Modeling of protein sequence and biophysical properties (such as structural, functional, and spatial information, amino acid conservation, physicochemical variation, residue mobility, and thermodynamic stability) indicates that this missense variant is expected to disrupt KCNJ13 protein function with a positive predictive value of 80%. In summary, the available evidence is currently insufficient to determine the role of this variant in disease. Therefore, it has been classified as a Variant of Uncertain Significance.

Blueprint Genetics
Classification: Uncertain significance. Last evaluated: 2022-03-16. Review status: criteria provided, single submitter. Criteria: ACMG Guidelines, 2015. Collection method: clinical testing. Allele origin: germline.

NM_002242.4(KCNJ13):c.69G>C (p.Lys23Asn)

Genes: GIGYF2 (GRB10 interacting GYF protein 2; plus strand), KCNJ13 (potassium inwardly rectifying channel subfamily J member 13; minus strand). Cytogenetic location: 2q37.1.
Variant type: single nucleotide variant.
Coding change: c.69G>C on transcript NM_002242.4 (MANE Select); coding-DNA position 69, G replaced by C.
Protein change: p.Lys23Asn; replaces lysine 23 with asparagine.
Molecular consequence: missense variant. On other transcripts: intron variant (5).
Genome position (GRCh38, 1-based): chr2:232,771,294, C>G on the plus strand (G>C on the coding strand, the complement: KCNJ13 is on the minus strand). VCF-style: chr2-232771294-C-G. GRCh37 (hg19) VCF-style: chr2-233636004-C-G.
Other names: c.69G>C, p.Lys23Asn (NM_001172416.1); c.532+9858C>G (NM_001103146.3, NM_015575.4, NM_001103148.2); c.533-5118C>G (NM_001103147.2); c.-23-149G>C (NM_001172417.1); short protein forms K23N.
Identifiers: ClinVar variation 966568 (VCV000966568.11), dbSNP rs1261649348, ClinGen allele CA351014293.